The following is an entry in ClinVar:

NM_000157.4(GBA1):c.1049A>G (p.His350Arg)

Genes: GBA1 (glucosylceramidase beta 1; minus strand), LOC106627981 (GBA recombination region; plus strand). Cytogenetic location: 1q22.
Variant type: single nucleotide variant.
Coding change: c.1049A>G on transcript NM_000157.4 (MANE Select); coding-DNA position 1049, A replaced by G.
Protein change: p.His350Arg; replaces histidine 350 with arginine.
Molecular consequence: missense variant.
Genome position (GRCh38, 1-based): chr1:155,236,420, T>C on the plus strand (A>G on the coding strand, the complement: GBA1 is on the minus strand). VCF-style: chr1-155236420-T-C. GRCh37 (hg19) VCF-style: chr1-155206211-T-C.
Other names: H311R; c.1049A>G (NM_001005741.2, NM_000157.3); c.1049A>G, p.His350Arg (NM_001005741.3, NM_001005742.3); c.788A>G, p.His263Arg (NM_001171811.2); c.902A>G, p.His301Arg (NM_001171812.2); short protein forms H350R, H301R, H263R.
Identifiers: ClinVar variation 4325 (VCV000004325.8), dbSNP rs78198234, ClinGen allele CA253105.

ClinVar aggregate classification (germline): Pathogenic/Likely pathogenic. Review status: criteria provided, multiple submitters, no conflicts (2 of 4 stars). 5 submissions from 5 submitters: Pathogenic (3); Likely pathogenic (1). 1 of the submissions does not count toward it. Last evaluated 2026-01-20.

Conditions:
Gaucher disease. Also called: Acute cerebral Gaucher disease; Cerebroside lipidosis syndrome; Gaucher splenomegaly; Sphingolipidosis 1; Glucocerebrosidosis; Glucosylceramidase deficiency. Identifiers: Orphanet 355, MedGen C0017205, MONDO:0018150.
Gaucher disease perinatal lethal. Also called: Gaucher disease collodion type; Gaucher Disease, Perinatal-Lethal Form. Identifiers: Orphanet 85212, MedGen C1842704, MONDO:0011945, OMIM 608013.

Allele frequency attached by ClinVar (database versions not stated): gnomAD 0.00001; TOPMed 0.00001.
gnomAD v4.1: 1 of 1,614,038 alleles (0.000062%); highest among the groups gnomAD compares: African/African-American, 0.0013%; no homozygotes.

Submissions (5):

Women's Health and Genetics/Laboratory Corporation of America, LabCorp
Classification: Pathogenic for Gaucher disease. Last evaluated: 2026-01-20. Review status: criteria provided, single submitter. Criteria: LabCorp Variant Classification Summary - May 2015. Collection method: clinical testing. Allele origin: germline.
Comment: Variant summary: GBA1 c.1049A>G (p.His350Arg) results in a non-conservative amino acid change in the encoded protein sequence. Algorithms developed to predict the effect of missense changes on protein structure and function all suggest that this variant is likely to be disruptive. The variant was absent in 251480 control chromosomes. c.1049A>G has been observed in multiple individuals affected with Gaucher Disease (example: Stone_1999, Siebert_2013, Zampieri_2021). These data indicate that the variant is very likely to be associated with disease. The following publications have been ascertained in the context of this evaluation (PMID: 10352942, 34073924, 23430543). ClinVar contains an entry for this variant (Variation ID: 4325). Based on the evidence outlined above, the variant was classified as pathogenic.

Natera, Inc.
Classification: Pathogenic for Gaucher disease. Last evaluated: 2026-01-07. Review status: criteria provided, single submitter. Criteria: Natera Variant Classification Schema (03/2026). Collection method: clinical testing. Allele origin: germline.
Comment: The c.1049A>G variant in GBA1 is a missense variant predicted to cause substitution of histidine to arginine at amino acid 350. This variant is rare in the general population with a frequency below the threshold expected for the associated phenotype(s). This variant has been observed in one or more individuals affected with the associated recessive disease, as either homozygous or compound heterozygous with a second variant (PMID: 38053927, 32547927, 34134921, 23430543). Computational prediction algorithms indicate this variant is likely to affect gene or protein function. Given the available evidence, this variant is classified as Pathogenic.

GeneDx
Classification: Pathogenic. Last evaluated: 2024-02-21. Review status: criteria provided, single submitter. Criteria: GeneDx Variant Classification Process June 2021. Collection method: clinical testing. Allele origin: germline. Affected: yes.
Comment: Identified in the heterozygous state in an individual with Parkinson disease (PMID: 34779914); Not observed at significant frequency in large population cohorts (gnomAD); In silico analysis supports that this missense variant has a deleterious effect on protein structure/function; This variant is associated with the following publications: (PMID: 34779914, 10649495, 10352942, 34073924, 38053927, 32547927)

Revvity Omics, Revvity
Classification: Likely pathogenic. Last evaluated: 2021-07-25. Review status: criteria provided, single submitter. Criteria: ACMG Guidelines, 2015. Collection method: clinical testing. Allele origin: germline.

OMIM
Classification: Pathogenic for GAUCHER DISEASE, PERINATAL LETHAL. Last evaluated: 1999-05-01. Review status: no assertion criteria provided. Collection method: literature only. Allele origin: germline. Not counted in ClinVar's aggregate classification.

Literature cited by the submitters: PubMed 23430543 (cited by Women's Health and Genetics/Laboratory Corporation of America, LabCorp and Natera, Inc.); PubMed 10352942 (cited by Women's Health and Genetics/Laboratory Corporation of America, LabCorp and OMIM); PubMed 34073924 (cited by Women's Health and Genetics/Laboratory Corporation of America, LabCorp); PubMed 38053927 (cited by Natera, Inc.); PubMed 32547927 (cited by Natera, Inc.); PubMed 34134921 (cited by Natera, Inc.).